The following is an entry in ClinVar:

ClinVar aggregate classification (germline): Uncertain significance (1 of 4 stars; one submission).

Conditions:
Developmental and epileptic encephalopathy, 11 (DEE11). Also called: Early infantile epileptic encephalopathy 11. Identifiers: Orphanet 1934, MedGen C3150987, MONDO:0013388, OMIM 613721.
Seizures, benign familial infantile, 3 (BFIS3). Also called: CONVULSIONS, BENIGN FAMILIAL INFANTILE, 3; Familial neonatal seizures. Identifiers: Orphanet 140927, Orphanet 306, MedGen C1843140, MONDO:0011904, OMIM 607745.

Allele frequency attached by ClinVar (database versions not stated): gnomAD exomes below 0.00001.
gnomAD v4.1: 1 of 1,604,322 alleles (0.000062%); highest among the groups gnomAD compares: Middle Eastern, 0.017%; no homozygotes.

Submission:

Labcorp Genetics (formerly Invitae), Labcorp
Classification: Uncertain significance for Seizures, benign familial infantile, 3; Developmental and epileptic encephalopathy, 11. Last evaluated: 2024-10-15. Review status: criteria provided, single submitter. Criteria: Invitae Variant Classification Sherloc (09022015). Collection method: clinical testing. Allele origin: germline.
Comment: This sequence change replaces threonine, which is neutral and polar, with alanine, which is neutral and non-polar, at codon 155 of the SCN2A protein (p.Thr155Ala). This variant is not present in population databases (gnomAD no frequency). This missense change has been observed in individual(s) with drug-resistant epilepsy (PMID: 36493596). ClinVar contains an entry for this variant (Variation ID: 2137466). Invitae Evidence Modeling of protein sequence and biophysical properties (such as structural, functional, and spatial information, amino acid conservation, physicochemical variation, residue mobility, and thermodynamic stability) has been performed for this missense variant. However, the output from this modeling did not meet the statistical confidence thresholds required to predict the impact of this variant on SCN2A protein function. In summary, the available evidence is currently insufficient to determine the role of this variant in disease. Therefore, it has been classified as a Variant of Uncertain Significance.

Literature cited by the submitters: PubMed 36493596.

NM_001040142.2(SCN2A):c.463A>G (p.Thr155Ala)

Gene: SCN2A (sodium voltage-gated channel alpha subunit 2; plus strand). Cytogenetic location: 2q24.3.
Variant type: single nucleotide variant.
Coding change: c.463A>G on transcript NM_001040142.2 (MANE Select); coding-DNA position 463, A replaced by G.
Protein change: p.Thr155Ala; replaces threonine 155 with alanine.
Molecular consequence: missense variant.
Genome position (GRCh38, 1-based): chr2:165,307,924, A>G. VCF-style: chr2-165307924-A-G. GRCh37 (hg19) VCF-style: chr2-166164434-A-G.
Other names: c.463A>G, p.Thr155Ala (NM_001040143.2, NM_001371246.1, NM_001371247.1 and 1 more transcripts); short protein forms T155A.
Identifiers: ClinVar variation 2137466 (VCV002137466.4), dbSNP rs2467881029, ClinGen allele CA349015552.